The following is an entry in ClinVar:

ClinVar aggregate classification (germline): Uncertain significance. Review status: criteria provided, multiple submitters, no conflicts (2 of 4 stars). 3 submissions from 3 submitters: Uncertain significance (3). Last evaluated 2025-06-28.

Conditions:
Cystic fibrosis (CF). Also called: MUCOVISCIDOSIS. Identifiers: Orphanet 586, MedGen C0010674, MONDO:0009061, OMIM 219700. Disease mechanism: loss of function.

Allele frequency attached by ClinVar (database versions not stated): gnomAD exomes below 0.00001.
gnomAD v4.1: 3 of 1,612,706 alleles (0.00019%); highest among the groups gnomAD compares: East Asian, 0.0067%; no homozygotes.

Submissions (3):

Ambry Genetics
Classification: Uncertain significance for Cystic fibrosis. Last evaluated: 2025-06-28. Review status: criteria provided, single submitter. Criteria: Ambry Variant Classification Scheme 2023. Collection method: clinical testing. Allele origin: germline.
Comment: The p.T844I variant (also known as c.2531C>T), located in coding exon 15 of the CFTR gene, results from a C to T substitution at nucleotide position 2531. The threonine at codon 844 is replaced by isoleucine, an amino acid with similar properties. This amino acid position is conserved. In addition, this alteration is predicted to be deleterious by in silico analysis. Since supporting evidence is limited at this time, the clinical significance of this alteration remains unclear.

Women's Health and Genetics/Laboratory Corporation of America, LabCorp
Classification: Uncertain significance. Last evaluated: 2023-01-09. Review status: criteria provided, single submitter. Criteria: LabCorp Variant Classification Summary - May 2015. Collection method: clinical testing. Allele origin: germline.

Labcorp Genetics (formerly Invitae), Labcorp
Classification: Uncertain significance for Cystic fibrosis. Last evaluated: 2022-02-09. Review status: criteria provided, single submitter. Criteria: Invitae Variant Classification Sherloc (09022015). Collection method: clinical testing. Allele origin: germline.
Comment: This sequence change replaces threonine, which is neutral and polar, with isoleucine, which is neutral and non-polar, at codon 844 of the CFTR protein (p.Thr844Ile). This variant is not present in population databases (gnomAD no frequency). This variant has not been reported in the literature in individuals affected with CFTR-related conditions. Algorithms developed to predict the effect of missense changes on protein structure and function (SIFT, PolyPhen-2, Align-GVGD) all suggest that this variant is likely to be tolerated. In summary, the available evidence is currently insufficient to determine the role of this variant in disease. Therefore, it has been classified as a Variant of Uncertain Significance.

NM_000492.4(CFTR):c.2531C>T (p.Thr844Ile)

Gene: CFTR (CF transmembrane conductance regulator; plus strand). Cytogenetic location: 7q31.2.
Variant type: single nucleotide variant.
Coding change: c.2531C>T on transcript NM_000492.4 (MANE Select); coding-DNA position 2531, C replaced by T.
Protein change: p.Thr844Ile; replaces threonine 844 with isoleucine.
Molecular consequence: missense variant.
Genome position (GRCh38, 1-based): chr7:117,594,970, C>T. VCF-style: chr7-117594970-C-T. GRCh37 (hg19) VCF-style: chr7-117235024-C-T.
Other names: c.2531C>T (NM_000492.3); short protein forms T844I.
Identifiers: ClinVar variation 1422547 (VCV001422547.12), dbSNP rs1792097477, ClinGen allele CA368983900.